The following is an entry in ClinVar:

NM_021020.5(LZTS1):c.865C>A (p.Leu289Ile)

Gene: LZTS1 (leucine zipper tumor suppressor 1; minus strand). Cytogenetic location: 8p21.3.
Variant type: single nucleotide variant.
Coding change: c.865C>A on transcript NM_021020.5 (MANE Select); coding-DNA position 865, C replaced by A.
Protein change: p.Leu289Ile; replaces leucine 289 with isoleucine.
Molecular consequence: missense variant.
Genome position (GRCh38, 1-based): chr8:20,253,066, G>T on the plus strand (C>A on the coding strand, the complement: LZTS1 is on the minus strand). VCF-style: chr8-20253066-G-T. GRCh37 (hg19) VCF-style: chr8-20110577-G-T.
Other names: c.865C>A, p.Leu289Ile (NM_001362884.2); short protein forms L289I.
Identifiers: ClinVar variation 4691750 (VCV004691750.1).

ClinVar aggregate classification (germline): Uncertain significance (1 of 4 stars; one submission).

gnomAD v4.1: 12 of 1,607,812 alleles (0.00075%); highest among the groups gnomAD compares: Non-Finnish European, 0.00093%; no homozygotes.

Submission:

Labcorp Genetics (formerly Invitae), Labcorp
Classification: Uncertain significance. Last evaluated: 2025-03-18. Review status: criteria provided, single submitter. Criteria: Invitae Variant Classification Sherloc (09022015). Collection method: clinical testing. Allele origin: germline.
Comment: This sequence change replaces leucine, which is neutral and non-polar, with isoleucine, which is neutral and non-polar, at codon 289 of the LZTS1 protein (p.Leu289Ile). The frequency data for this variant in the population databases is considered unreliable, as metrics indicate poor data quality at this position in the gnomAD database. This variant has not been reported in the literature in individuals affected with LZTS1-related conditions. Invitae Evidence Modeling of protein sequence and biophysical properties (such as structural, functional, and spatial information, amino acid conservation, physicochemical variation, residue mobility, and thermodynamic stability) indicates that this missense variant is not expected to disrupt LZTS1 protein function with a negative predictive value of 80%. In summary, the available evidence is currently insufficient to determine the role of this variant in disease. Therefore, it has been classified as a Variant of Uncertain Significance.